The following is an entry in ClinVar:

NM_001367624.2(ZNF469):c.3341G>C (p.Arg1114Pro)

Gene: ZNF469 (zinc finger protein 469; plus strand). Cytogenetic location: 16q24.2.
Variant type: single nucleotide variant.
Coding change: c.3341G>C on transcript NM_001367624.2 (MANE Select); coding-DNA position 3341, G replaced by C.
Protein change: p.Arg1114Pro; replaces arginine 1114 with proline.
Molecular consequence: missense variant.
Genome position (GRCh38, 1-based): chr16:88,430,811, G>C. VCF-style: chr16-88430811-G-C. GRCh37 (hg19) VCF-style: chr16-88497219-G-C.
Other names: NM_001127464.1:c.3257G>C; p.Arg1114Pro; NM_001127464.2:c.3257G>C; short protein forms R1114P.
Identifiers: ClinVar variation 1729478 (VCV001729478.33), dbSNP rs568046708, ClinGen allele CA8224847.
Genomic context (GRCh38, chr16:88,430,811, plus strand): 5'-TCGCCTCGGAGTCCGAGGAGGACGAGCAGCCTCCGCCGCGGGGCCCCGGCTTCAGAGGCC[G>C]GCGGGGCCGAGGCGAGAAGAGGAAGGAAGTGGAGCTGACCCAGGGTCCCAGAGAGGATGA-3'
Protein context (NP_001354553.1, residues 1104-1124): PPPRGPGFRG[Arg1114Pro]RGRGEKRKEV

ClinVar aggregate classification (germline): Likely benign. Review status: criteria provided, multiple submitters, no conflicts (2 of 4 stars). 5 submissions from 5 submitters: Likely benign (5). Last evaluated 2026-01-28.

Conditions:
ZNF469-related disorder. Also called: ZNF469-related condition.
Cardiovascular phenotype. Identifiers: MedGen CN230736.

gnomAD v4.1: 145 of 1,531,302 alleles (0.0095%); highest among the groups gnomAD compares: East Asian, 0.035%; no homozygotes.

Submissions (5):

Labcorp Genetics (formerly Invitae), Labcorp
Classification: Likely benign. Last evaluated: 2026-01-28. Review status: criteria provided, single submitter. Criteria: Invitae Variant Classification Sherloc (09022015). Collection method: clinical testing. Allele origin: germline.

Mayo Clinic Laboratories, Mayo Clinic
Classification: Likely benign. Last evaluated: 2025-06-03. Review status: criteria provided, single submitter. Criteria: ACMG Guidelines, 2015. Collection method: clinical testing. Allele origin: germline. Observed: 2 variant alleles.
Comment: BS1, BP4_moderate

PreventionGenetics, part of Exact Sciences
Classification: Likely benign for ZNF469-related condition. Last evaluated: 2024-12-16. Review status: criteria provided, single submitter. Criteria: ACMG Guidelines, 2015. Collection method: clinical testing. Allele origin: germline.
Comment: This variant is classified as likely benign based on ACMG/AMP sequence variant interpretation guidelines (Richards et al. 2015 PMID: 25741868, with internal and published modifications).

CeGaT Center for Human Genetics Tuebingen
Classification: Likely benign. Last evaluated: 2023-06-01. Review status: criteria provided, single submitter. Criteria: CeGaT Center For Human Genetics Tuebingen Variant Classification Criteria Version 2. Collection method: clinical testing. Allele origin: germline. Affected: yes. Observed: 1 variant allele.
Comment: ZNF469: BP4

Ambry Genetics
Classification: Likely benign for Cardiovascular phenotype. Last evaluated: 2022-04-07. Review status: criteria provided, single submitter. Criteria: Ambry Variant Classification Scheme 2023. Collection method: clinical testing. Allele origin: germline.